The following is an entry in ClinVar:

NC_000019.9:g.(36337097_36338942)_(36340266_36340451)del

Gene: NPHS1 (NPHS1 adhesion molecule, nephrin; minus strand). Cytogenetic location: 19q13.12.
Variant type: Deletion.
Identifiers: ClinVar variation 2501159 (VCV002501159.1).

ClinVar aggregate classification (germline): Likely pathogenic (1 of 4 stars; one submission).

Conditions:
Finnish congenital nephrotic syndrome (NPHS1). Also called: NEPHROTIC SYNDROME, TYPE 1. Identifiers: Orphanet 839, MedGen C0403399, MONDO:0009732, OMIM 256300.

Submission:

Women's Health and Genetics/Laboratory Corporation of America, LabCorp
Classification: Likely pathogenic for Finnish congenital nephrotic syndrome. Last evaluated: 2023-03-27. Review status: criteria provided, single submitter. Criteria: LabCorp Variant Classification Summary - May 2015. Collection method: clinical testing. Allele origin: germline.
Comment: Variant summary: The variant identified by MLPA or other technology involves the deletion of exons 7-11 in the NPHS1 gene. A presumed nomenclature of c.(712+1_713-1)_(1440+1_1441-1)del has been designated for the purposes of this classification. It is expected to result in a frameshift in the NPHS1 gene, a known mechanism of disease. The variant was absent in 21694 control chromosomes in gnomAD (structural variants dataset). To our knowledge, no occurrence of c.(712+1_713-1)_(1440+1_1441-1)del in individuals affected with Nephrotic Syndrome, Type 1 and no experimental evidence demonstrating its impact on protein function have been reported. No clinical diagnostic laboratories have submitted clinical-significance assessments for this variant to ClinVar after 2014. Based on the evidence outlined above, the variant was classified as likely pathogenic.